The following is an entry in ClinVar:

NM_006767.4(LZTR1):c.2233G>A (p.Ala745Thr)

Gene: LZTR1 (leucine zipper like post translational regulator 1; plus strand). Cytogenetic location: 22q11.21.
Variant type: single nucleotide variant.
Coding change: c.2233G>A on transcript NM_006767.4 (MANE Select); coding-DNA position 2233, G replaced by A.
Protein change: p.Ala745Thr; replaces alanine 745 with threonine.
Molecular consequence: missense variant.
Genome position (GRCh38, 1-based): chr22:20,996,709, G>A. VCF-style: chr22-20996709-G-A. GRCh37 (hg19) VCF-style: chr22-21350998-G-A.
Other names: short protein forms A745T.
Identifiers: ClinVar variation 4101810 (VCV004101810.1).

ClinVar aggregate classification (germline): Uncertain significance (1 of 4 stars; one submission).

Conditions:
Cardiovascular phenotype. Identifiers: MedGen CN230736.
Hereditary cancer-predisposing syndrome. Also called: Tumor predisposition; Neoplastic Syndromes, Hereditary; Hereditary neoplastic syndrome; Hereditary Cancer Syndrome. Identifiers: Orphanet 140162, MedGen C0027672, MeSH D009386, MONDO:0015356.

gnomAD v4.1: 10 of 1,613,528 alleles (0.00062%); highest among the groups gnomAD compares: Non-Finnish European, 0.00085%; no homozygotes.

Submission:

Ambry Genetics
Classification: Uncertain significance for Cardiovascular phenotype; Hereditary cancer-predisposing syndrome. Last evaluated: 2025-08-10. Review status: criteria provided, single submitter. Criteria: Ambry Variant Classification Scheme 2023. Collection method: clinical testing. Allele origin: germline.
Comment: The p.A745T variant (also known as c.2233G>A), located in coding exon 19 of the LZTR1 gene, results from a G to A substitution at nucleotide position 2233. The alanine at codon 745 is replaced by threonine, an amino acid with similar properties. This amino acid position is conserved. In addition, the in silico prediction for this alteration is inconclusive. Based on the available evidence, the clinical significance of this variant remains unclear.